The following is an entry in ClinVar:

NM_000465.4(BARD1):c.722C>G (p.Ser241Cys)

Gene: BARD1 (BRCA1 associated RING domain 1; minus strand). Cytogenetic location: 2q35.
Variant type: single nucleotide variant.
Coding change: c.722C>G on transcript NM_000465.4 (MANE Select); coding-DNA position 722, C replaced by G.
Protein change: p.Ser241Cys; replaces serine 241 with cysteine.
Molecular consequence: missense variant. On other transcripts: non-coding transcript variant (2), intron variant (3).
Genome position (GRCh38, 1-based): chr2:214,781,152, G>C on the plus strand (C>G on the coding strand, the complement: BARD1 is on the minus strand). VCF-style: chr2-214781152-G-C. GRCh37 (hg19) VCF-style: chr2-215645876-G-C.
Other names: p.S241C:TCC>TGC; c.665C>G, p.Ser222Cys (NM_001282543.2); c.158+28260C>G (NM_001282548.2); c.215+15909C>G (NM_001282545.2); c.364+11145C>G (NM_001282549.2); short protein forms S241C, S222C.
Identifiers: ClinVar variation 136497 (VCV000136497.48), dbSNP rs3738885, ClinGen allele CA333253.

ClinVar aggregate classification (germline): Benign/Likely benign. Review status: criteria provided, multiple submitters, no conflicts (2 of 4 stars). 17 submissions from 17 submitters: Benign (10); Likely benign (5). 2 of the submissions do not count toward it. Last evaluated 2026-02-01.

Conditions:
Hereditary cancer-predisposing syndrome. Also called: Tumor predisposition; Hereditary neoplastic syndrome; Hereditary Cancer Syndrome; Neoplastic Syndromes, Hereditary. Identifiers: Orphanet 140162, MedGen C0027672, MeSH D009386, MONDO:0015356.
Familial cancer of breast. Also called: Hereditary breast cancer; hereditary breast carcinoma; BREAST CANCER, FAMILIAL. Identifiers: Orphanet 227535, MedGen C0346153, MONDO:0016419, OMIM 114480. Disease mechanism: loss of function.
Malignant tumor of breast. Also called: Cancer breast; Malignant breast neoplasm. Identifiers: MedGen C0006142, MONDO:0007254. Disease mechanism: loss of function.

Allele frequency attached by ClinVar (database versions not stated): TOPMed 0.00005; gnomAD 0.00006 and 0.00027; gnomAD exomes 0.00013 and 0.00066; ExAC 0.00022; 1000 Genomes Project 30x 0.00203; 1000 Genomes Project 0.00260.
gnomAD v4.1: 951 of 1,576,586 alleles (0.06%); highest among the groups gnomAD compares: East Asian, 2.1%; 19 homozygotes.

Submissions (17):

Labcorp Genetics (formerly Invitae), Labcorp
Classification: Benign for Familial cancer of breast. Last evaluated: 2026-02-01. Review status: criteria provided, single submitter. Criteria: Invitae Variant Classification Sherloc (09022015). Collection method: clinical testing. Allele origin: germline.

CeGaT Center for Human Genetics Tuebingen
Classification: Benign. Last evaluated: 2025-05-01. Review status: criteria provided, single submitter. Criteria: CeGaT Center For Human Genetics Tuebingen Variant Classification Criteria Version 2. Collection method: clinical testing. Allele origin: germline. Affected: yes. Observed: 1 variant allele.
Comment: BARD1: BP4, BS1, BS2

Center for Genomic Medicine, Rigshospitalet, Copenhagen University Hospital
Classification: Benign. Last evaluated: 2025-03-04. Review status: criteria provided, single submitter. Criteria: ACMG Guidelines, 2015. Collection method: clinical testing. Allele origin: germline.

Mendelics
Classification: Likely benign for Familial cancer of breast. Last evaluated: 2024-04-09. Review status: criteria provided, single submitter. Criteria: ACMG Guidelines, 2015. Collection method: clinical testing. Allele origin: unknown.

Blueprint Genetics
Classification: Likely benign. Last evaluated: 2023-07-28. Review status: criteria provided, single submitter. Criteria: ACMG Guidelines, 2015. Collection method: clinical testing. Allele origin: germline.

Quest Diagnostics Nichols Institute San Juan Capistrano
Classification: Benign. Last evaluated: 2023-05-05. Review status: criteria provided, single submitter. Criteria: Quest Diagnostics criteria. Collection method: clinical testing. Allele origin: unknown.

Myriad Genetics, Inc.
Classification: Likely benign for Familial cancer of breast. Last evaluated: 2023-02-24. Review status: criteria provided, single submitter. Criteria: Myriad Autosomal Dominant, Autosomal Recessive and X-Linked Classification Criteria (2023). Collection method: clinical testing. Allele origin: unknown.
Comment: This variant is considered likely benign. This variant has been observed at a population frequency that is significantly greater than expected given the associated disease prevalence and penetrance.

Genetic Services Laboratory, University of Chicago
Classification: Likely benign. Last evaluated: 2021-10-12. Review status: criteria provided, single submitter. Criteria: ACMG Guidelines, 2015. Collection method: clinical testing. Allele origin: germline. Affected: no.

Sema4
Classification: Benign for Hereditary cancer-predisposing syndrome. Last evaluated: 2021-09-11. Review status: criteria provided, single submitter. Criteria: Sema4 Curation Guidelines. Collection method: curation. Allele origin: germline.

ARUP Laboratories, Molecular Genetics and Genomics, ARUP Laboratories
Classification: Likely benign. Last evaluated: 2019-03-27. Review status: criteria provided, single submitter. Criteria: ARUP Molecular Germline Variant Investigation Process. Collection method: clinical testing. Allele origin: germline.

Women's Health and Genetics/Laboratory Corporation of America, LabCorp
Classification: Benign. Last evaluated: 2017-09-07. Review status: criteria provided, single submitter. Criteria: LabCorp Variant Classification Summary - May 2015. Collection method: clinical testing. Allele origin: germline.
Comment: Variant summary: The BARD1 c.722C>G (p.Ser241Cys) variant causes a missense change involving the alteration of a conserved nucleotide. 3/4 in silico tools predict a damaging outcome for this variant (SNPsandGO not captured due to low reliability index). The variant was found in the control population dataset of ExAC in 25/114604 control chromosomes, predominantly observed in the East Asian subpopulation at a frequency of 0.002784 (24/8622). This frequency is about 13 times the estimated maximal expected allele frequency of a pathogenic BARD1 variant (0.0002188), suggesting this is likely a benign polymorphism found primarily in the populations of East Asian origin. A case-control study found this variant to not be significantly associated with breast cancer (Ishitobi_BARD1_2003). This variant was found in a pancreatic ductal adenocarcinoma patient with no strong evidence for causality (Ohmoto_2016). In addition, multiple clinical diagnostic laboratories/reputable databases classified this variant as benign. Taken together, this variant is classified as benign.

Illumina Laboratory Services, Illumina
Classification: Benign for Familial cancer of breast. Last evaluated: 2017-04-27. Review status: criteria provided, single submitter. Criteria: ICSL Variant Classification Criteria 13 December 2019. Collection method: clinical testing. Allele origin: germline.
Comment: This variant was observed as part of a predisposition screen in an ostensibly healthy population. A literature search was performed for the gene, cDNA change, and amino acid change (where applicable). Publications were found based on this search. The evidence from the literature, in combination with allele frequency data from public databases where available, was sufficient to rule this variant out of causing disease. Therefore, this variant is classified as benign.

Color Diagnostics, LLC DBA Color Health
Classification: Benign for Hereditary cancer-predisposing syndrome. Last evaluated: 2015-04-14. Review status: criteria provided, single submitter. Criteria: ACMG Guidelines, 2015. Collection method: clinical testing. Allele origin: germline.

Ambry Genetics
Classification: Benign for Hereditary cancer-predisposing syndrome. Last evaluated: 2015-01-20. Review status: criteria provided, single submitter. Criteria: Ambry Variant Classification Scheme 2023. Collection method: clinical testing. Allele origin: germline.

GeneDx
Classification: Benign. Last evaluated: 2014-03-21. Review status: criteria provided, single submitter. Criteria: GeneDx Variant Classification (06012015). Collection method: clinical testing. Allele origin: germline. Affected: yes.
Comment: This variant is considered likely benign or benign based on one or more of the following criteria: it is a conservative change, it occurs at a poorly conserved position in the protein, it is predicted to be benign by multiple in silico algorithms, and/or has population frequency not consistent with disease.

Counsyl
Classification: Likely benign for Familial cancer of breast. Last evaluated: 2016-06-27. Review status: no assertion criteria provided. Collection method: clinical testing. Allele origin: unknown. Not counted in ClinVar's aggregate classification.

Department of Pathology and Laboratory Medicine, Sinai Health System
Classification: Likely benign for Malignant tumor of breast. Review status: no assertion criteria provided. Collection method: clinical testing. Allele origin: unknown. Affected: yes. Study: The Canadian Open Genetics Repository (COGR). Not counted in ClinVar's aggregate classification.
Comment: The BARD1 p.Ser241Cys variant was identified in 11 of 286 proband chromosomes (frequency: 0.04) from individuals or families with breast cancer and was present in 8 of 310 control chromosomes (frequency: 0.03) from healthy individuals (Ishitobi 2003). The variant was also identified in the following databases: dbSNP (ID: rs3738885) as With Uncertain significance, other allele, ClinVar (classified as benign by GeneDx, Ambry Genetics, Invitae, Color Genomics; classified as likely benign by Counsyl, QDNISJC clinical laboratory), Clinvitae, MutDB, Zhejiang Colon Cancer Database (2X). The variant was not identified in Cosmic, database. The variant was identified in control databases in 27 of 211500 chromosomes at a frequency of 0.0001 increasing the likelihood this could be a low frequency benign variant (Genome Aggregation Database Feb 27, 2017). It was observed in the following populations: Other in 1 of 4468 chromosomes (freq: 0.0002), East Asian in 26 of 15562 chromosomes (freq: 0.002); it was not observed in the African, Latino, European, Ashkenazi Jewish, Finnish, and South Asian populations. Although the p.Ser241 residue is not conserved in mammals and other organisms, computational analyses (PolyPhen-2, SIFT, AlignGVGD, BLOSUM, MutationTaster) suggest that the variant may impact the protein. The variant occurs outside of the splicing consensus sequence and 4 of 5 in silico or computational prediction software programs (SpliceSiteFinder, MaxEntScan, NNSPLICE, GeneSplicer, HumanSpliceFinder) predict a greater than 10% difference in splicing. However, this information is not predictive enough to assume pathogenicity. In summary, based on the above information, the clinical significance of this variant cannot be determined with certainty at this time although we would lean towards a more benign role for this variant. This variant is classified as likely benign.

Literature cited by the submitters: PubMed 33471991 (cited by Quest Diagnostics Nichols Institute San Juan Capistrano); PubMed 35264596 (cited by Quest Diagnostics Nichols Institute San Juan Capistrano); PubMed 14550946 (cited by 4 submitters); PubMed 23056176 (cited by 3 submitters); PubMed 26787654 (cited by Women's Health and Genetics/Laboratory Corporation of America, LabCorp and Counsyl); PubMed 26692440 (cited by Women's Health and Genetics/Laboratory Corporation of America, LabCorp).